The following is an entry in ClinVar:

ClinVar aggregate classification (germline): Uncertain significance (1 of 4 stars; one submission).

Allele frequency attached by ClinVar (database versions not stated): TOPMed below 0.00001; gnomAD 0.00001.
gnomAD v4.1: 1 of 1,613,908 alleles (0.000062%); highest among the groups gnomAD compares: Non-Finnish European, 0.000085%; no homozygotes.

Submission:

Labcorp Genetics (formerly Invitae), Labcorp
Classification: Uncertain significance. Last evaluated: 2023-06-16. Review status: criteria provided, single submitter. Criteria: Invitae Variant Classification Sherloc (09022015). Collection method: clinical testing. Allele origin: germline.
Comment: In summary, the available evidence is currently insufficient to determine the role of this variant in disease. Therefore, it has been classified as a Variant of Uncertain Significance. Algorithms developed to predict the effect of missense changes on protein structure and function output the following: SIFT: "Not Available"; PolyPhen-2: "Benign"; Align-GVGD: "Not Available". The cysteine amino acid residue is found in multiple mammalian species, which suggests that this missense change does not adversely affect protein function. ClinVar contains an entry for this variant (Variation ID: 2135917). This variant has not been reported in the literature in individuals affected with NLRP1-related conditions. This variant is not present in population databases (gnomAD no frequency). This sequence change replaces tryptophan, which is neutral and slightly polar, with cysteine, which is neutral and slightly polar, at codon 703 of the NLRP1 protein (p.Trp703Cys).

NM_033004.4(NLRP1):c.2109G>T (p.Trp703Cys)

Gene: NLRP1 (NLR family pyrin domain containing 1; minus strand). Cytogenetic location: 17p13.2.
Variant type: single nucleotide variant.
Coding change: c.2109G>T on transcript NM_033004.4 (MANE Select); coding-DNA position 2109, G replaced by T.
Protein change: p.Trp703Cys; replaces tryptophan 703 with cysteine.
Molecular consequence: missense variant.
Genome position (GRCh38, 1-based): chr17:5,558,587, C>A on the plus strand (G>T on the coding strand, the complement: NLRP1 is on the minus strand). VCF-style: chr17-5558587-C-A. GRCh37 (hg19) VCF-style: chr17-5461907-C-A.
Other names: c.2109G>T, p.Trp703Cys (NM_001033053.3, NM_014922.5, NM_033006.4 and 1 more transcripts); short protein forms W703C.
Identifiers: ClinVar variation 2135917 (VCV002135917.4), dbSNP rs1914378534, ClinGen allele CA397383060.